The following is an entry in ClinVar:

ClinVar aggregate classification (germline): Uncertain significance (1 of 4 stars; one submission).

Conditions:
Charcot-Marie-Tooth disease, type I (CMT1). Also called: Charcot-Marie-Tooth, Type 1; Charcot-Marie-Tooth disease type 1. Identifiers: Orphanet 65753, MedGen C0751036, MONDO:0019011.

Submission:

Labcorp Genetics (formerly Invitae), Labcorp
Classification: Uncertain significance for Charcot-Marie-Tooth disease, type I. Last evaluated: 2024-02-17. Review status: criteria provided, single submitter. Criteria: Invitae Variant Classification Sherloc (09022015). Collection method: clinical testing. Allele origin: germline.
Comment: This sequence change affects an acceptor splice site in intron 4 of the PMP22 gene. While this variant is not anticipated to result in nonsense mediated decay, it likely alters RNA splicing and results in a disrupted protein product. This variant is not present in population databases (gnomAD no frequency). This variant has not been reported in the literature in individuals affected with PMP22-related conditions. Variants that disrupt the consensus splice site are a relatively common cause of aberrant splicing (PMID: 17576681, 9536098). Algorithms developed to predict the effect of sequence changes on RNA splicing suggest that this variant may disrupt the consensus splice site. In summary, the available evidence is currently insufficient to determine the role of this variant in disease. Therefore, it has been classified as a Variant of Uncertain Significance.

Literature cited by the submitters: PubMed 17576681; PubMed 9536098.

NM_000304.4(PMP22):c.320-2A>T

Gene: PMP22 (peripheral myelin protein 22; minus strand). Cytogenetic location: 17p12.
Variant type: single nucleotide variant.
Coding change: c.320-2A>T on transcript NM_000304.4 (MANE Select); the canonical splice acceptor site of the intron before coding-DNA position 320, A replaced by T.
Molecular consequence: splice acceptor variant.
Genome position (GRCh38, 1-based): chr17:15,231,082, T>A on the plus strand (A>T on the coding strand, the complement: PMP22 is on the minus strand). VCF-style: chr17-15231082-T-A. GRCh37 (hg19) VCF-style: chr17-15134399-T-A.
Other names: c.320-2A>T (NM_001281456.2, NM_153321.3, NM_001281455.2 and 1 more transcripts).
Identifiers: ClinVar variation 3690998 (VCV003690998.2).